The following is an entry in ClinVar:

ClinVar aggregate classification (germline): Uncertain significance. Review status: criteria provided, multiple submitters, no conflicts (2 of 4 stars). 2 submissions from 2 submitters: Uncertain significance (2). Last evaluated 2025-04-23.

Conditions:
Cardiovascular phenotype. Identifiers: MedGen CN230736.
Hypertrophic cardiomyopathy. Also called: HYPERTROPHIC MYOCARDIOPATHY. Identifiers: Orphanet 217569, MedGen C0007194, MeSH D002312, MONDO:0005045, HP:0001639.

Submissions (2):

Ambry Genetics
Classification: Uncertain significance for Cardiovascular phenotype. Last evaluated: 2025-04-23. Review status: criteria provided, single submitter. Criteria: Ambry Variant Classification Scheme 2023. Collection method: clinical testing. Allele origin: germline.
Comment: The p.E187Q variant (also known as c.559G>C), located in coding exon 8 of the TNNI3 gene, results from a G to C substitution at nucleotide position 559. The glutamic acid at codon 187 is replaced by glutamine, an amino acid with highly similar properties. This amino acid position is conserved. In addition, the in silico prediction for this alteration is inconclusive. Based on the available evidence, the clinical significance of this variant remains unclear.

Labcorp Genetics (formerly Invitae), Labcorp
Classification: Uncertain significance for Hypertrophic cardiomyopathy. Last evaluated: 2024-11-16. Review status: criteria provided, single submitter. Criteria: Invitae Variant Classification Sherloc (09022015). Collection method: clinical testing. Allele origin: germline.
Comment: This sequence change replaces glutamic acid, which is acidic and polar, with glutamine, which is neutral and polar, at codon 187 of the TNNI3 protein (p.Glu187Gln). This variant is not present in population databases (gnomAD no frequency). This variant has not been reported in the literature in individuals affected with TNNI3-related conditions. An algorithm developed to predict the effect of missense changes on protein structure and function (PolyPhen-2) suggests that this variant is likely to be tolerated. In summary, the available evidence is currently insufficient to determine the role of this variant in disease. Therefore, it has been classified as a Variant of Uncertain Significance.

NM_000363.5(TNNI3):c.559G>C (p.Glu187Gln)

Gene: TNNI3 (troponin I3, cardiac type; minus strand). Cytogenetic location: 19q13.42.
Variant type: single nucleotide variant.
Coding change: c.559G>C on transcript NM_000363.5 (MANE Select); coding-DNA position 559, G replaced by C.
Protein change: p.Glu187Gln; replaces glutamic acid 187 with glutamine.
Molecular consequence: missense variant.
Genome position (GRCh38, 1-based): chr19:55,151,908, C>G on the plus strand (G>C on the coding strand, the complement: TNNI3 is on the minus strand). VCF-style: chr19-55151908-C-G. GRCh37 (hg19) VCF-style: chr19-55663276-C-G.
Other names: short protein forms E187Q.
Identifiers: ClinVar variation 3725368 (VCV003725368.3).